The following is an entry in ClinVar:

NM_003072.5(SMARCA4):c.3014G>A (p.Arg1005Gln)

Gene: SMARCA4 (SWI/SNF related BAF chromatin remodeling complex subunit ATPase 4; plus strand). Cytogenetic location: 19p13.2.
Variant type: single nucleotide variant.
Coding change: c.3014G>A on transcript NM_003072.5 (MANE Select); coding-DNA position 3014, G replaced by A.
Protein change: p.Arg1005Gln; replaces arginine 1005 with glutamine.
Molecular consequence: missense variant. On other transcripts: non-coding transcript variant (1).
Genome position (GRCh38, 1-based): chr19:11,024,371, G>A. VCF-style: chr19-11024371-G-A. GRCh37 (hg19) VCF-style: chr19-11135047-G-A.
Other names: c.3014G>A, p.Arg1005Gln (NM_001128848.2, NM_001128849.3, NM_001374457.1 and 5 more transcripts); short protein forms R1005Q.
Identifiers: ClinVar variation 537786 (VCV000537786.12), dbSNP rs1555780008, ClinGen allele CA404058927.

ClinVar aggregate classification (germline): Uncertain significance. Review status: criteria provided, multiple submitters, no conflicts (2 of 4 stars). 3 submissions from 3 submitters: Uncertain significance (3). Last evaluated 2025-07-22.

Conditions:
Rhabdoid tumor predisposition syndrome 2 (RTPS2). Identifiers: Orphanet 231108, Orphanet 69077, MedGen C2750074, MONDO:0013224, OMIM 613325.
Hereditary cancer-predisposing syndrome. Also called: Tumor predisposition; Hereditary Cancer Syndrome; Hereditary neoplastic syndrome; Neoplastic Syndromes, Hereditary. Identifiers: Orphanet 140162, MedGen C0027672, MeSH D009386, MONDO:0015356.

gnomAD v4.1: 3 of 1,613,072 alleles (0.00019%); highest among the groups gnomAD compares: Non-Finnish European, 0.00017%; no homozygotes.

Submissions (3):

GeneDx
Classification: Uncertain significance. Last evaluated: 2025-07-22. Review status: criteria provided, single submitter. Criteria: GeneDx Variant Classification Process June 2021. Collection method: clinical testing. Allele origin: germline. Affected: yes.
Comment: Not observed at significant frequency in large population cohorts (gnomAD); In silico analysis supports that this missense variant has a deleterious effect on protein structure/function; Has not been previously published as pathogenic or benign to our knowledge; This variant is associated with the following publications: (PMID: 24658002)

Labcorp Genetics (formerly Invitae), Labcorp
Classification: Uncertain significance for Rhabdoid tumor predisposition syndrome 2. Last evaluated: 2025-04-17. Review status: criteria provided, single submitter. Criteria: Invitae Variant Classification Sherloc (09022015). Collection method: clinical testing. Allele origin: germline.
Comment: This sequence change replaces arginine, which is basic and polar, with glutamine, which is neutral and polar, at codon 1005 of the SMARCA4 protein (p.Arg1005Gln). This variant is not present in population databases (gnomAD no frequency). This variant has not been reported in the literature in individuals affected with SMARCA4-related conditions. ClinVar contains an entry for this variant (Variation ID: 537786). Invitae Evidence Modeling of protein sequence and biophysical properties (such as structural, functional, and spatial information, amino acid conservation, physicochemical variation, residue mobility, and thermodynamic stability) has been performed for this missense variant. However, the output from this modeling did not meet the statistical confidence thresholds required to predict the impact of this variant on SMARCA4 protein function. In summary, the available evidence is currently insufficient to determine the role of this variant in disease. Therefore, it has been classified as a Variant of Uncertain Significance.

Ambry Genetics
Classification: Uncertain significance for Hereditary cancer-predisposing syndrome. Last evaluated: 2024-08-30. Review status: criteria provided, single submitter. Criteria: Ambry Variant Classification Scheme 2023. Collection method: clinical testing. Allele origin: germline.
Comment: The p.R1005Q variant (also known as c.3014G>A), located in coding exon 20 of the SMARCA4 gene, results from a G to A substitution at nucleotide position 3014. The arginine at codon 1005 is replaced by glutamine, an amino acid with highly similar properties. This amino acid position is well conserved in available vertebrate species. In addition, the in silico prediction for this alteration is inconclusive. Missense and in-frame variants in SMARCA4 are known to cause neurodevelopmental disorders; however, such associations with rhabdoid tumor predisposition syndrome including small cell carcinoma of the ovary-hypercalcemic type (SCCOHT) are exceedingly rare (Kosho T et al. Am J Med Genet C Semin Med Genet. 2014 Sep;166C(3):262-75; Jelinic P et al. Nat Genet. 2014 May;46(5):424-6). Based on the supporting evidence, the association of this alteration with Coffin-Siris syndrome is unknown; however, the association of this alteration with rhabdoid tumor predisposition syndrome is unlikely.